The following is an entry in ClinVar:

NM_001004356.3(FGFRL1):c.1454A>T (p.His485Leu)

Gene: FGFRL1 (fibroblast growth factor receptor like 1; plus strand). Cytogenetic location: 4p16.3.
Variant type: single nucleotide variant.
Coding change: c.1454A>T on transcript NM_001004356.3 (MANE Select); coding-DNA position 1454, A replaced by T.
Protein change: p.His485Leu; replaces histidine 485 with leucine.
Molecular consequence: missense variant.
Genome position (GRCh38, 1-based): chr4:1,025,286, A>T. VCF-style: chr4-1025286-A-T. GRCh37 (hg19) VCF-style: chr4-1019074-A-T.
Other names: c.1454A>T, p.His485Leu (NM_001004358.1, NM_001370296.1, NM_021923.3); short protein forms H485L.
Identifiers: ClinVar variation 1373409 (VCV001373409.6), dbSNP rs1434034079, ClinGen allele CA2803128.

ClinVar aggregate classification (germline): Uncertain significance (1 of 4 stars; one submission).

Allele frequency attached by ClinVar (database versions not stated): gnomAD 0.00001; TOPMed 0.00003; gnomAD exomes 0.00005; ExAC 0.00012.
gnomAD v4.1: 21 of 1,575,472 alleles (0.0013%); highest among the groups gnomAD compares: Admixed American, 0.0073%; no homozygotes.

Submission:

Labcorp Genetics (formerly Invitae), Labcorp
Classification: Uncertain significance. Last evaluated: 2023-12-11. Review status: criteria provided, single submitter. Criteria: Invitae Variant Classification Sherloc (09022015). Collection method: clinical testing. Allele origin: germline.
Comment: This sequence change replaces histidine, which is basic and polar, with leucine, which is neutral and non-polar, at codon 485 of the FGFRL1 protein (p.His485Leu). The frequency data for this variant in the population databases is considered unreliable, as metrics indicate poor data quality at this position in the gnomAD database. This variant has not been reported in the literature in individuals affected with FGFRL1-related conditions. ClinVar contains an entry for this variant (Variation ID: 1373409). An algorithm developed to predict the effect of missense changes on protein structure and function (PolyPhen-2) suggests that this variant is likely to be disruptive. In summary, the available evidence is currently insufficient to determine the role of this variant in disease. Therefore, it has been classified as a Variant of Uncertain Significance.